The following is an entry in ClinVar:

ClinVar aggregate classification (germline): Uncertain significance (1 of 4 stars; one submission).

Conditions:
Cardiovascular phenotype. Identifiers: MedGen CN230736.

Allele frequency attached by ClinVar (database versions not stated): gnomAD exomes below 0.00001; TOPMed 0.00001.
gnomAD v4.1: 2 of 1,613,750 alleles (0.00012%); highest among the groups gnomAD compares: Admixed American, 0.0033%; no homozygotes.

Submission:

Ambry Genetics
Classification: Uncertain significance for Cardiovascular phenotype. Last evaluated: 2023-04-09. Review status: criteria provided, single submitter. Criteria: Ambry Variant Classification Scheme 2023. Collection method: clinical testing. Allele origin: germline.
Comment: The p.I99V variant (also known as c.295A>G), located in coding exon 3 of the PRDM5 gene, results from an A to G substitution at nucleotide position 295. The isoleucine at codon 99 is replaced by valine, an amino acid with highly similar properties. This amino acid position is conserved. In addition, the in silico prediction for this alteration is inconclusive. Since supporting evidence is limited at this time, the clinical significance of this alteration remains unclear.

NM_018699.4(PRDM5):c.295A>G (p.Ile99Val)

Gene: PRDM5 (PR/SET domain 5; minus strand). Cytogenetic location: 4q27.
Variant type: single nucleotide variant.
Coding change: c.295A>G on transcript NM_018699.4 (MANE Select); coding-DNA position 295, A replaced by G.
Protein change: p.Ile99Val; replaces isoleucine 99 with valine.
Molecular consequence: missense variant.
Genome position (GRCh38, 1-based): chr4:120,853,423, T>C on the plus strand (A>G on the coding strand, the complement: PRDM5 is on the minus strand). VCF-style: chr4-120853423-T-C. GRCh37 (hg19) VCF-style: chr4-121774578-T-C.
Other names: c.295A>G, p.Ile99Val (NM_001300823.2, NM_001300824.2, NM_001379104.1 and 1 more transcripts); short protein forms I99V.
Identifiers: ClinVar variation 2562033 (VCV002562033.2), dbSNP rs889426404, ClinGen allele CA105125608.